The following is an entry in ClinVar:

ClinVar aggregate classification (germline): Likely pathogenic (1 of 4 stars; one submission).

Conditions:
Familial cancer of breast. Also called: hereditary breast carcinoma; BREAST CANCER, FAMILIAL; Hereditary breast cancer. Identifiers: Orphanet 227535, MedGen C0346153, MONDO:0016419, OMIM 114480. Disease mechanism: loss of function.

Submission:

Myriad Genetics, Inc.
Classification: Likely pathogenic for Familial cancer of breast. Last evaluated: 2025-08-27. Review status: criteria provided, single submitter. Criteria: Myriad Autosomal Dominant, Autosomal Recessive and X-Linked Classification Criteria (2023). Collection method: clinical testing. Allele origin: unknown.
Comment: This variant is considered likely pathogenic. mRNA analysis has demonstrated abnormal mRNA splicing occurs [Myriad internal data]. This variant has been reported in an individual with clinical features of gene-specific disease [PMID: 9452093].

Literature cited by the submitters: PubMed 9452093.

NM_000051.4(ATM):c.5319G>A (p.Lys1773=)

Gene: ATM (ATM serine/threonine kinase; plus strand). Cytogenetic location: 11q22.3.
Variant type: single nucleotide variant.
Coding change: c.5319G>A on transcript NM_000051.4 (MANE Select); coding-DNA position 5319, G replaced by A.
Protein change: p.Lys1773=; no amino-acid change (lysine 1773 retained).
Molecular consequence: synonymous variant.
Genome position (GRCh38, 1-based): chr11:108,301,789, G>A. VCF-style: chr11-108301789-G-A. GRCh37 (hg19) VCF-style: chr11-108172516-G-A.
Other names: c.5319G>A, p.Lys1773= (NM_001351834.2).
Identifiers: ClinVar variation 4294292 (VCV004294292.1).